The following is an entry in ClinVar:

NM_005869.4(CWC27):c.890T>C (p.Val297Ala)

Gene: CWC27 (CWC27 spliceosome associated cyclophilin; plus strand). Cytogenetic location: 5q12.3.
Variant type: single nucleotide variant.
Coding change: c.890T>C on transcript NM_005869.4 (MANE Select); coding-DNA position 890, T replaced by C.
Protein change: p.Val297Ala; replaces valine 297 with alanine.
Molecular consequence: missense variant.
Genome position (GRCh38, 1-based): chr5:64,804,338, T>C. VCF-style: chr5-64804338-T-C. GRCh37 (hg19) VCF-style: chr5-64100165-T-C.
Other names: c.890T>C, p.Val297Ala (NM_001297644.1, NM_001297645.2, NM_001318000.2 and 1 more transcripts); short protein forms V297A.
Identifiers: ClinVar variation 2419853 (VCV002419853.5), dbSNP rs1321805544, ClinGen allele CA359833836.

ClinVar aggregate classification (germline): Uncertain significance (1 of 4 stars; one submission).

Allele frequency attached by ClinVar (database versions not stated): gnomAD exomes below 0.00001.
gnomAD v4.1: 2 of 1,613,044 alleles (0.00012%); highest among the groups gnomAD compares: Non-Finnish European, 0.000085%; no homozygotes.

Submission:

Labcorp Genetics (formerly Invitae), Labcorp
Classification: Uncertain significance. Last evaluated: 2022-01-15. Review status: criteria provided, single submitter. Criteria: Invitae Variant Classification Sherloc (09022015). Collection method: clinical testing. Allele origin: germline.
Comment: In summary, the available evidence is currently insufficient to determine the role of this variant in disease. Therefore, it has been classified as a Variant of Uncertain Significance. Algorithms developed to predict the effect of missense changes on protein structure and function (SIFT, PolyPhen-2, Align-GVGD) all suggest that this variant is likely to be tolerated. This variant has not been reported in the literature in individuals affected with CWC27-related conditions. This variant is present in population databases (no rsID available, gnomAD 0.003%). This sequence change replaces valine, which is neutral and non-polar, with alanine, which is neutral and non-polar, at codon 297 of the CWC27 protein (p.Val297Ala).